The following is an entry in ClinVar:

NM_001291415.2(KDM6A):c.2366C>T (p.Thr789Ile)

Gene: KDM6A (lysine demethylase 6A; plus strand). Cytogenetic location: Xp11.3.
Variant type: single nucleotide variant.
Coding change: c.2366C>T on transcript NM_001291415.2 (MANE Select); coding-DNA position 2366, C replaced by T.
Protein change: p.Thr789Ile; replaces threonine 789 with isoleucine.
Molecular consequence: missense variant. On other transcripts: non-coding transcript variant (1).
Genome position (GRCh38, 1-based): chrX:45,069,865, C>T. VCF-style: chrX-45069865-C-T. GRCh37 (hg19) VCF-style: chrX-44929110-C-T.
Other names: p.T658I; c.2231C>T, p.Thr744Ile (NM_001291416.2, NM_001419811.1); c.2075C>T, p.Thr692Ile (NM_001291417.2); c.1973C>T, p.Thr658Ile (NM_001291418.2, NM_001419815.1); c.1322C>T, p.Thr441Ile (NM_001291421.2); c.2108C>T, p.Thr703Ile (NM_001410742.1, NM_001419814.1); c.2366C>T, p.Thr789Ile (NM_001419809.1); c.2264C>T, p.Thr755Ile (NM_001419810.1, NM_001419813.1); and 1 more; short protein forms T441I, T658I, T692I, T703I, T737I, T744I, T755I, T789I.
Identifiers: ClinVar variation 4075314 (VCV004075314.1).
Genomic context (GRCh38, chrX:45,069,865, plus strand): 5'-AGAGCAAGCCTTCAGGAAACATATTGACGGTGCCTGAAACAAGCAGGCACACTGGAGAGA[C>T]ACCTAACAGCACTGCCAGTGTCGAGGGACTTCCTAATCATGTCCATCAGATGACGGCAGA-3'
Protein context (NP_001278344.1, residues 779-799): VPETSRHTGE[Thr789Ile]PNSTASVEGL

ClinVar aggregate classification (germline): Pathogenic (0 of 4 stars; one submission).

Conditions:
Tremor, hereditary essential, 6. Identifiers: MedGen C5394329, MONDO:0030027, OMIM 618866.

Submission:

Human Molecular Lab, Hazara University
Classification: Pathogenic for Tremor, hereditary essential, 6. Review status: no assertion criteria provided. Collection method: research. Allele origin: germline. Inheritance: X-linked dominant inheritance. Affected: yes. Observed: 1 variant allele, 1 homozygote.